The following is an entry in ClinVar:

NM_002890.3(RASA1):c.539+4dup

Gene: RASA1 (RAS p21 protein activator 1; plus strand). Cytogenetic location: 5q14.3.
Variant type: Duplication.
Coding change: c.539+4dup on transcript NM_002890.3 (MANE Select); 4 bases into the intron after coding-DNA position 539, one base duplicated (A; older notation c.539+4dupA).
Molecular consequence: intron variant. On other transcripts: 5 prime UTR variant (1).
Genome position (GRCh38, 1-based): chr5:87,268,994, A duplicated; the last of 2 consecutive A bases (chr5:87,268,993-87,268,994); duplicating either gives the same sequence. VCF-style (leftmost placement, unchanged base first): chr5-87268992-T-TA. GRCh37 (hg19) VCF-style: chr5-86564809-T-TA.
Other names: c.-54dup (NM_022650.3).
Identifiers: ClinVar variation 2115938 (VCV002115938.4), dbSNP rs2531003866, ClinGen allele CA2580073689.

ClinVar aggregate classification (germline): Pathogenic (1 of 4 stars; one submission).

Conditions:
Capillary malformation-arteriovenous malformation syndrome. Also called: Capillary malformation-arteriovenous malformation. Identifiers: Orphanet 137667, MedGen C1842180, MONDO:0012016.

Submission:

Labcorp Genetics (formerly Invitae), Labcorp
Classification: Pathogenic for Capillary malformation-arteriovenous malformation syndrome. Last evaluated: 2022-04-12. Review status: criteria provided, single submitter. Criteria: Invitae Variant Classification Sherloc (09022015). Collection method: clinical testing. Allele origin: germline.
Comment: This sequence change falls in intron 1 of the RASA1 gene. It does not directly change the encoded amino acid sequence of the RASA1 protein. It affects a nucleotide within the consensus splice site. For these reasons, this variant has been classified as Pathogenic. Variants that disrupt the consensus splice site are a relatively common cause of aberrant splicing (PMID: 17576681, 9536098). Algorithms developed to predict the effect of sequence changes on RNA splicing suggest that this variant may disrupt the consensus splice site. This variant has been observed in individual(s) with clinical features of RASA1-related conditions (Invitae). In at least one individual the variant was observed to be de novo. This variant is not present in population databases (gnomAD no frequency).

Literature cited by the submitters: PubMed 17576681; PubMed 9536098.